The following is an entry in ClinVar:

ClinVar aggregate classification (germline): Uncertain significance. Review status: criteria provided, multiple submitters, no conflicts (2 of 4 stars). 2 submissions from 2 submitters: Uncertain significance (2). Last evaluated 2023-12-01.

Conditions:
Cardiac arrhythmia. Also called: Arrhythmia; Cardiac rhythm disease. Identifiers: MedGen C0003811, MONDO:0007263, HP:0011675.
Long QT syndrome (LQTS). Identifiers: MedGen C0023976, MeSH D008133, MONDO:0002442. Disease mechanism: loss of function. Inheritance: Various modes of inheritance.

gnomAD v4.1: 7 of 1,592,552 alleles (0.00044%); highest among the groups gnomAD compares: East Asian, 0.0023%; no homozygotes.

Submissions (2):

All of Us Research Program, National Institutes of Health
Classification: Uncertain significance for Long QT syndrome. Last evaluated: 2023-12-01. Review status: criteria provided, single submitter. Criteria: ACMG Guidelines, 2015. Collection method: clinical testing. Allele origin: germline. Inheritance: Autosomal dominant inheritance. Observed: 2 variant alleles, 2 heterozygotes.
Comment: This variant is located in the 5' untranslated region of the KCNH2 gene. To our knowledge, functional studies have not been reported for this variant. This variant has not been reported in individuals affected with cardiovascular disorders in the literature. This variant has not been identified in the general population by the Genome Aggregation Database (gnomAD). The available evidence is insufficient to determine the role of this variant in disease conclusively. Therefore, this variant is classified as a Variant of Uncertain Significance.

This study involves interpretation of variants in research participants for the purpose of population health screening. Participant phenotype was not available at the time of variant classification. Additional details can be found in publication PMID: 35346344, PMCID: PMC8962531

Color Diagnostics, LLC DBA Color Health
Classification: Uncertain significance for Cardiac arrhythmia. Last evaluated: 2023-06-22. Review status: criteria provided, single submitter. Criteria: ACMG Guidelines, 2015. Collection method: clinical testing. Allele origin: germline.
Comment: This variant is located in the 5' untranslated region of the KCNH2 gene. To our knowledge, functional studies have not been reported for this variant. This variant has not been reported in individuals affected with cardiovascular disorders in the literature. This variant has not been identified in the general population by the Genome Aggregation Database (gnomAD). The available evidence is insufficient to determine the role of this variant in disease conclusively. Therefore, this variant is classified as a Variant of Uncertain Significance.

NM_000238.4(KCNH2):c.-3A>G

Gene: KCNH2 (potassium voltage-gated channel subfamily H member 2; minus strand). Cytogenetic location: 7q36.1.
Variant type: single nucleotide variant.
Coding change: c.-3A>G on transcript NM_000238.4 (MANE Select); 3 bases upstream of the start codon, A replaced by G.
Molecular consequence: 5 prime UTR variant.
Genome position (GRCh38, 1-based): chr7:150,977,916, T>C on the plus strand (A>G on the coding strand, the complement: KCNH2 is on the minus strand). VCF-style: chr7-150977916-T-C. GRCh37 (hg19) VCF-style: chr7-150675004-T-C.
Other names: c.-3A>G (NM_172056.3).
Identifiers: ClinVar variation 918392 (VCV000918392.9), dbSNP rs1226942646, ClinGen allele CA578707976.